The following is an entry in ClinVar:

ClinVar aggregate classification (germline): Uncertain significance (1 of 4 stars; one submission).

Submission:

Labcorp Genetics (formerly Invitae), Labcorp
Classification: Uncertain significance. Last evaluated: 2023-01-25. Review status: criteria provided, single submitter. Criteria: Invitae Variant Classification Sherloc (09022015). Collection method: clinical testing. Allele origin: germline.
Comment: In summary, the available evidence is currently insufficient to determine the role of this variant in disease. Therefore, it has been classified as a Variant of Uncertain Significance. Advanced modeling of protein sequence and biophysical properties (such as structural, functional, and spatial information, amino acid conservation, physicochemical variation, residue mobility, and thermodynamic stability) performed at Invitae indicates that this missense variant is not expected to disrupt MYH3 protein function. This variant has not been reported in the literature in individuals affected with MYH3-related conditions. This variant is not present in population databases (gnomAD no frequency). This sequence change replaces glutamine, which is neutral and polar, with histidine, which is basic and polar, at codon 416 of the MYH3 protein (p.Gln416His).

NM_002470.4(MYH3):c.1248A>C (p.Gln416His)

Gene: MYH3 (myosin heavy chain 3; minus strand). Cytogenetic location: 17p13.1.
Variant type: single nucleotide variant.
Coding change: c.1248A>C on transcript NM_002470.4 (MANE Select); coding-DNA position 1248, A replaced by C.
Protein change: p.Gln416His; replaces glutamine 416 with histidine.
Molecular consequence: missense variant.
Genome position (GRCh38, 1-based): chr17:10,644,596, T>G on the plus strand (A>C on the coding strand, the complement: MYH3 is on the minus strand). VCF-style: chr17-10644596-T-G. GRCh37 (hg19) VCF-style: chr17-10547913-T-G.
Other names: short protein forms Q416H.
Identifiers: ClinVar variation 2831908 (VCV002831908.3), dbSNP rs2508621252, ClinGen allele CA398175336.